The following is an entry in ClinVar:

NM_000377.3(WAS):c.1507T>A (p.Ter503Arg)

Gene: WAS (WASP actin nucleation promoting factor; plus strand). Cytogenetic location: Xp11.23.
Variant type: single nucleotide variant.
Coding change: c.1507T>A on transcript NM_000377.3 (MANE Select); coding-DNA position 1507, T replaced by A.
Protein change: p.Ter503Arg.
Molecular consequence: stop lost. On other transcripts: 3 prime UTR variant (2).
Genome position (GRCh38, 1-based): chrX:48,691,160, T>A. VCF-style: chrX-48691160-T-A. GRCh37 (hg19) VCF-style: chrX-48549551-T-A.
Other names: c.1351T>A, p.Ter451Arg (NM_001438876.1); c.*691T>A (NM_001438877.1, NM_001438878.1); c.1507T>A, p.Ter503Arg (NM_001438879.1).
Identifiers: ClinVar variation 4813658 (VCV004813658.1).
Genomic context (GRCh38, chrX:48,691,160, plus strand): 5'-CCTCCAGACGAAGGGGAGGACCAGGCTGGCGATGAAGATGAAGATGATGAATGGGATGAC[T>A]GAGTGGCTGAGTTACTTGCTGCCCTGTGCTCCTCCCCGCAGGACATGGCTCCCCCTCCAC-3'

ClinVar aggregate classification (germline): Likely pathogenic (1 of 4 stars; one submission).

Conditions:
Wiskott-Aldrich syndrome (WAS). Also called: ALDRICH SYNDROME; IMMUNODEFICIENCY 2; WISKOTT-ALDRICH SYNDROME 1; Wiskott-aldrich syndrome, somatic. Identifiers: Orphanet 906, MedGen C0043194, MONDO:0010518, OMIM 301000.

Submission:

Genetics Laboratory, Great Ormond Street Hospital NHS Foundation Trust, North Thames Genomic Laboratory Hub
Classification: Likely pathogenic for Wiskott-Aldrich syndrome. Last evaluated: 2026-01-20. Review status: criteria provided, single submitter. Criteria: ACGS Best Practice Guidelines for Variant Classification in Rare Disease 2024 v1.2. Collection method: clinical testing. Allele origin: germline. Affected: yes.
Comment: PS4_supporting, PM2_moderate, PM4_moderate, PP4_moderate